The following is an entry in ClinVar:

NM_020779.4(WDR35):c.2149A>C (p.Ile717Leu)

Gene: WDR35 (WD repeat domain 35; minus strand). Cytogenetic location: 2p24.1.
Variant type: single nucleotide variant.
Coding change: c.2149A>C on transcript NM_020779.4 (MANE Select); coding-DNA position 2149, A replaced by C.
Protein change: p.Ile717Leu; replaces isoleucine 717 with leucine.
Molecular consequence: missense variant.
Genome position (GRCh38, 1-based): chr2:19,937,861, T>G on the plus strand (A>C on the coding strand, the complement: WDR35 is on the minus strand). VCF-style: chr2-19937861-T-G. GRCh37 (hg19) VCF-style: chr2-20137622-T-G.
Other names: c.2182A>C (NM_001006657.1); c.2182A>C, p.Ile728Leu (NM_001006657.2); short protein forms I717L, I728L.
Identifiers: ClinVar variation 1046023 (VCV001046023.10), dbSNP rs144493712, ClinGen allele CA1543029.
Genomic context (GRCh38, chr2:19,937,861, plus strand): 5'-CAACTTCAGCCTGTTTCATTGACTCACTCAGTAGTTTGCCCAAGCGCTTCACAAACTTAA[T>G]GCCTTGGTAATCTTTGCAGCGCACAAATGCTTGCTCTGCAGTGTATAGATCCAGTTTCTG-3'
Protein context (NP_065830.2, residues 707-727): AFVRCKDYQG[Ile717Leu]KFVKRLGKLL

ClinVar aggregate classification (germline): Uncertain significance. Review status: criteria provided, multiple submitters, no conflicts (2 of 4 stars). 3 submissions from 3 submitters: Uncertain significance (3). Last evaluated 2025-09-10.

Conditions:
Inborn genetic diseases. Identifiers: MedGen C0950123, MeSH D030342.
Cranioectodermal dysplasia 2 (CED2). Identifiers: Orphanet 1515, MedGen C3150874, MONDO:0013323, OMIM 613610.
Short-rib thoracic dysplasia 7 with or without polydactyly (SRTD7). Also called: Short rib polydactyly syndrome 5; SHORT-RIB THORACIC DYSPLASIA 7 WITH POLYDACTYLY. Identifiers: Orphanet 498497, Orphanet 93271, MedGen C3279792, MONDO:0013569, OMIM 614091.

Allele frequency attached by ClinVar (database versions not stated): TOPMed 0.00002.
gnomAD v4.1: 5 of 1,614,050 alleles (0.00031%); highest among the groups gnomAD compares: Non-Finnish European, 0.00042%; no homozygotes.

Submissions (3):

Ambry Genetics
Classification: Uncertain significance for Inborn genetic diseases. Last evaluated: 2025-09-10. Review status: criteria provided, single submitter. Criteria: Ambry Variant Classification Scheme 2023. Collection method: clinical testing. Allele origin: germline.

GeneDx
Classification: Uncertain significance. Last evaluated: 2022-11-22. Review status: criteria provided, single submitter. Criteria: GeneDx Variant Classification Process June 2021. Collection method: clinical testing. Allele origin: germline. Affected: yes.
Comment: Not observed at significant frequency in large population cohorts (gnomAD); In silico analysis supports that this missense variant does not alter protein structure/function; Has not been previously published as pathogenic or benign to our knowledge

Labcorp Genetics (formerly Invitae), Labcorp
Classification: Uncertain significance for Cranioectodermal dysplasia 2; Short-rib thoracic dysplasia 7 with or without polydactyly. Last evaluated: 2020-08-28. Review status: criteria provided, single submitter. Criteria: Invitae Variant Classification Sherloc (09022015). Collection method: clinical testing. Allele origin: germline.
Comment: This sequence change replaces isoleucine with leucine at codon 728 of the WDR35 protein (p.Ile728Leu). The isoleucine residue is highly conserved and there is a small physicochemical difference between isoleucine and leucine. This variant is present in population databases (rs144493712, ExAC 0.001%). This variant has not been reported in the literature in individuals with WDR35-related conditions. Algorithms developed to predict the effect of missense changes on protein structure and function are either unavailable or do not agree on the potential impact of this missense change (SIFT: "Deleterious"; PolyPhen-2: "Probably Damaging"; Align-GVGD: "Class C0"). In summary, the available evidence is currently insufficient to determine the role of this variant in disease. Therefore, it has been classified as a Variant of Uncertain Significance.